The following is an entry in ClinVar:

ClinVar aggregate classification (germline): Uncertain significance (1 of 4 stars; one submission).

Allele frequency attached by ClinVar (database versions not stated): gnomAD exomes below 0.00001; TOPMed below 0.00001; gnomAD 0.00001.
gnomAD v4.1: 7 of 1,613,628 alleles (0.00043%); highest among the groups gnomAD compares: Non-Finnish European, 0.00059%; no homozygotes.

Submission:

Labcorp Genetics (formerly Invitae), Labcorp
Classification: Uncertain significance. Last evaluated: 2022-08-17. Review status: criteria provided, single submitter. Criteria: Invitae Variant Classification Sherloc (09022015). Collection method: clinical testing. Allele origin: germline.
Comment: This variant is not present in population databases (gnomAD no frequency). This missense change has been observed in individual(s) with familial exudative vitreoretinopathy (PMID: 25711638). Advanced modeling of protein sequence and biophysical properties (such as structural, functional, and spatial information, amino acid conservation, physicochemical variation, residue mobility, and thermodynamic stability) performed at Invitae indicates that this missense variant is expected to disrupt LRP5 protein function. In summary, the available evidence is currently insufficient to determine the role of this variant in disease. Therefore, it has been classified as a Variant of Uncertain Significance. This sequence change replaces arginine, which is basic and polar, with cysteine, which is neutral and slightly polar, at codon 879 of the LRP5 protein (p.Arg879Cys).

Literature cited by the submitters: PubMed 25711638.

NM_002335.4(LRP5):c.2635C>T (p.Arg879Cys)

Gene: LRP5 (LDL receptor related protein 5; plus strand). Cytogenetic location: 11q13.2.
Variant type: single nucleotide variant.
Coding change: c.2635C>T on transcript NM_002335.4 (MANE Select); coding-DNA position 2635, C replaced by T.
Protein change: p.Arg879Cys; replaces arginine 879 with cysteine.
Molecular consequence: missense variant.
Genome position (GRCh38, 1-based): chr11:68,413,820, C>T. VCF-style: chr11-68413820-C-T. GRCh37 (hg19) VCF-style: chr11-68181288-C-T.
Other names: c.892C>T, p.Arg298Cys (NM_001291902.2); short protein forms R298C, R879C.
Identifiers: ClinVar variation 2137181 (VCV002137181.4), dbSNP rs750804153, ClinGen allele CA224274671.